The following is an entry in ClinVar:

ClinVar aggregate classification (germline): Uncertain significance (1 of 4 stars; one submission).

Conditions:
Charcot-Marie-Tooth disease axonal type 2O. Also called: Charcot-Marie-Tooth disease, axonal, type 20; CHARCOT-MARIE-TOOTH NEUROPATHY, AXONAL, TYPE 2O; CHARCOT-MARIE-TOOTH DISEASE, AXONAL, AUTOSOMAL DOMINANT, TYPE 2O; Charcot-Marie-Tooth Neuropathy Type 2O. Identifiers: Orphanet 284232, MedGen C3280220, MONDO:0013644, OMIM 614228.

Submission:

Labcorp Genetics (formerly Invitae), Labcorp
Classification: Uncertain significance for Charcot-Marie-Tooth disease axonal type 2O. Last evaluated: 2025-12-22. Review status: criteria provided, single submitter. Criteria: Invitae Variant Classification Sherloc (09022015). Collection method: clinical testing. Allele origin: germline.
Comment: This sequence change replaces asparagine, which is neutral and polar, with lysine, which is basic and polar, at codon 104 of the DYNC1H1 protein (p.Asn104Lys). This variant is not present in population databases (gnomAD no frequency). This variant has not been reported in the literature in individuals affected with DYNC1H1-related conditions. ClinVar contains an entry for this variant (Variation ID: 1721973). Invitae Evidence Modeling of protein sequence and biophysical properties (such as structural, functional, and spatial information, amino acid conservation, physicochemical variation, residue mobility, and thermodynamic stability) indicates that this missense variant is not expected to disrupt DYNC1H1 protein function with a negative predictive value of 95%. In summary, the available evidence is currently insufficient to determine the role of this variant in disease. Therefore, it has been classified as a Variant of Uncertain Significance.

NM_001376.5(DYNC1H1):c.312C>G (p.Asn104Lys)

Gene: DYNC1H1 (dynein cytoplasmic 1 heavy chain 1; plus strand). Cytogenetic location: 14q32.31.
Variant type: single nucleotide variant.
Coding change: c.312C>G on transcript NM_001376.5 (MANE Select); coding-DNA position 312, C replaced by G.
Protein change: p.Asn104Lys; replaces asparagine 104 with lysine.
Molecular consequence: missense variant.
Genome position (GRCh38, 1-based): chr14:101,975,767, C>G. VCF-style: chr14-101975767-C-G. GRCh37 (hg19) VCF-style: chr14-102442104-C-G.
Other names: short protein forms N104K.
Identifiers: ClinVar variation 1721973 (VCV001721973.5), dbSNP rs2503672253, ClinGen allele CA391006320.